The following is an entry in ClinVar:

ClinVar aggregate classification (germline): Benign/Likely benign. Review status: criteria provided, multiple submitters, no conflicts (2 of 4 stars). 7 submissions from 7 submitters: Benign (2); Likely benign (5). Last evaluated 2026-01-19.

Conditions:
Gorlin syndrome. Also called: Nevoid Basal Cell Carcinoma Syndrome; Basal cell nevus syndrome. Identifiers: Orphanet 377, MedGen C0004779, MONDO:0007187.
Medulloblastoma (MDB). Also called: MEDULLOBLASTOMA PREDISPOSITION SYNDROME; Medulloblastoma, somatic. Identifiers: Orphanet 616, MedGen C0025149, MeSH D008527, MONDO:0007959, OMIM 155255, HP:0002885.
Hereditary cancer-predisposing syndrome. Also called: Hereditary neoplastic syndrome; Neoplastic Syndromes, Hereditary; Hereditary Cancer Syndrome; Tumor predisposition. Identifiers: Orphanet 140162, MedGen C0027672, MeSH D009386, MONDO:0015356.
Familial meningioma. Also called: Meningioma, familial, susceptibility to. Identifiers: Orphanet 263662, MedGen C3551915, MONDO:0011789, OMIM 607174.

Allele frequency attached by ClinVar (database versions not stated): ExAC 0.00004; TOPMed 0.00008; gnomAD 0.00009; gnomAD exomes 0.00010 and 0.00014.
gnomAD v4.1: 212 of 1,614,130 alleles (0.013%); highest among the groups gnomAD compares: South Asian, 0.027%; no homozygotes.

Submissions (7):

Labcorp Genetics (formerly Invitae), Labcorp
Classification: Likely benign for Gorlin syndrome; Medulloblastoma. Last evaluated: 2026-01-19. Review status: criteria provided, single submitter. Criteria: Invitae Variant Classification Sherloc (09022015). Collection method: clinical testing. Allele origin: germline.

CeGaT Center for Human Genetics Tuebingen
Classification: Likely benign. Last evaluated: 2026-01-01. Review status: criteria provided, single submitter. Criteria: CeGaT Center For Human Genetics Tuebingen Variant Classification Criteria Version 2. Collection method: clinical testing. Allele origin: germline. Affected: yes. Observed: 5 variant alleles.
Comment: SUFU: BP4, BP7

Center for Genomic Medicine, Rigshospitalet, Copenhagen University Hospital
Classification: Likely benign. Last evaluated: 2025-03-04. Review status: criteria provided, single submitter. Criteria: ACMG Guidelines, 2015. Collection method: clinical testing. Allele origin: germline.

KCCC/NGS Laboratory, Kuwait Cancer Control Center
Classification: Benign for Familial meningioma. Last evaluated: 2025-02-01. Review status: criteria provided, single submitter. Criteria: ACMG Guidelines, 2015. Collection method: clinical testing. Allele origin: germline. Affected: no.

Blueprint Genetics
Classification: Likely benign. Last evaluated: 2024-09-24. Review status: criteria provided, single submitter. Criteria: ACMG Guidelines, 2015. Collection method: clinical testing. Allele origin: germline.

Quest Diagnostics Nichols Institute San Juan Capistrano
Classification: Benign. Last evaluated: 2022-09-07. Review status: criteria provided, single submitter. Criteria: Quest Diagnostics criteria. Collection method: clinical testing. Allele origin: unknown.

Ambry Genetics
Classification: Likely benign for Hereditary cancer-predisposing syndrome. Last evaluated: 2017-04-21. Review status: criteria provided, single submitter. Criteria: Ambry Variant Classification Scheme 2023. Collection method: clinical testing. Allele origin: germline.

NM_016169.4(SUFU):c.1272C>T (p.Tyr424=)

Gene: SUFU (SUFU negative regulator of hedgehog signaling; plus strand). Cytogenetic location: 10q24.32.
Variant type: single nucleotide variant.
Coding change: c.1272C>T on transcript NM_016169.4 (MANE Select); coding-DNA position 1272, C replaced by T.
Protein change: p.Tyr424=; no amino-acid change (tyrosine 424 retained).
Molecular consequence: synonymous variant.
Genome position (GRCh38, 1-based): chr10:102,617,404, C>T. VCF-style: chr10-102617404-C-T. GRCh37 (hg19) VCF-style: chr10-104377161-C-T.
Other names: c.1272C>T, p.Tyr424= (NM_001178133.2).
Identifiers: ClinVar variation 453957 (VCV000453957.44), dbSNP rs771084342, ClinGen allele CA5667911.